The following is an entry in ClinVar:

NM_005751.5(AKAP9):c.3086G>C (p.Arg1029Thr)

Gene: AKAP9 (A-kinase anchoring protein 9; plus strand). Cytogenetic location: 7q21.2.
Variant type: single nucleotide variant.
Coding change: c.3086G>C on transcript NM_005751.5 (MANE Select); coding-DNA position 3086, G replaced by C.
Protein change: p.Arg1029Thr; replaces arginine 1029 with threonine.
Molecular consequence: missense variant.
Genome position (GRCh38, 1-based): chr7:92,003,003, G>C. VCF-style: chr7-92003003-G-C. GRCh37 (hg19) VCF-style: chr7-91632317-G-C.
Other names: c.3086G>C, p.Arg1029Thr (NM_147185.3); short protein forms R1029T.
Identifiers: ClinVar variation 3517326 (VCV003517326.1).
Genomic context (GRCh38, chr7:92,003,003, plus strand): 5'-TACAGTCATGTGATACTCAAGTAAGCTCTTTATTAGATGGAGTTGTGACCATGACAAGCA[G>C]GGGTGCTGAAGGATCAGTTTCTAAAGTAAATAAAAGTTTTGGTGAAGAATCAAAAATAAT-3'
Protein context (NP_005742.4, residues 1019-1039): LLDGVVTMTS[Arg1029Thr]GAEGSVSKVN

ClinVar aggregate classification (germline): Uncertain significance (1 of 4 stars; one submission).

Conditions:
Cardiovascular phenotype. Identifiers: MedGen CN230736.

gnomAD v4.1: 8 of 1,613,504 alleles (0.0005%); highest among the groups gnomAD compares: Non-Finnish European, 0.00068%; no homozygotes.

Submission:

Ambry Genetics
Classification: Uncertain significance for Cardiovascular phenotype. Last evaluated: 2024-11-23. Review status: criteria provided, single submitter. Criteria: Ambry Variant Classification Scheme 2023. Collection method: clinical testing. Allele origin: germline.
Comment: The p.R1029T variant (also known as c.3086G>C), located in coding exon 8 of the AKAP9 gene, results from a G to C substitution at nucleotide position 3086. The arginine at codon 1029 is replaced by threonine, an amino acid with similar properties. This amino acid position is conserved. In addition, this alteration is predicted to be tolerated by in silico analysis. Based on the available evidence, the clinical significance of this variant remains unclear.